The following is an entry in ClinVar:

NM_004525.3(LRP2):c.770-4dup

Gene: LRP2 (LDL receptor related protein 2; minus strand). Cytogenetic location: 2q31.1.
Variant type: Duplication.
Coding change: c.770-4dup on transcript NM_004525.3 (MANE Select); 4 bases into the intron before coding-DNA position 770, one base duplicated (A; older notation c.770-4dupA).
Molecular consequence: intron variant.
Genome position (GRCh38, 1-based): chr2:169,291,001, T duplicated on the plus strand (A on the coding strand, the reverse complement: LRP2 is on the minus strand). VCF-style (leftmost placement, unchanged base first): chr2-169291000-G-GT. GRCh37 (hg19) VCF-style: chr2-170147510-G-GT.
Other names: c.770-4dupA (NM_004525.3).
Identifiers: ClinVar variation 2421275 (VCV002421275.8), dbSNP rs781016934, ClinGen allele CA1955746.

ClinVar aggregate classification (germline): Likely benign. Review status: criteria provided, multiple submitters, no conflicts (2 of 4 stars). 2 submissions from 2 submitters: Likely benign (2). Last evaluated 2025-04-24.

Allele frequency attached by ClinVar (database versions not stated): gnomAD exomes below 0.00001; ExAC 0.00001; gnomAD 0.00003; TOPMed 0.00004.

Submissions (2):

Women's Health and Genetics/Laboratory Corporation of America, LabCorp
Classification: Likely benign. Last evaluated: 2025-04-24. Review status: criteria provided, single submitter. Criteria: LabCorp Variant Classification Summary - May 2015. Collection method: clinical testing. Allele origin: germline.
Comment: Variant summary: LRP2 c.770-4dupA alters a nucleotide located at a position not widely known to affect splicing. Consensus agreement among computation tools predict no significant impact on normal splicing. However, these predictions have yet to be confirmed by functional studies. The variant allele was found at a frequency of 4e-06 in 250632 control chromosomes. The available data on variant occurrences in the general population are insufficient to allow any conclusion about variant significance. To our knowledge, no occurrence of c.770-4dupA in individuals affected with Donnai Barrow Syndrome and no experimental evidence demonstrating its impact on protein function have been reported. ClinVar contains an entry for this variant (Variation ID: 2421275). Based on the evidence outlined above, the variant was classified as likely benign.

Labcorp Genetics (formerly Invitae), Labcorp
Classification: Likely benign. Last evaluated: 2023-10-22. Review status: criteria provided, single submitter. Criteria: Invitae Variant Classification Sherloc (09022015). Collection method: clinical testing. Allele origin: germline.